The following is an entry in ClinVar:

NM_182914.3(SYNE2):c.9745-9A>G

Gene: SYNE2 (spectrin repeat containing nuclear envelope protein 2; plus strand). Cytogenetic location: 14q23.2.
Variant type: single nucleotide variant.
Coding change: c.9745-9A>G on transcript NM_182914.3 (MANE Select); 9 bases into the intron before coding-DNA position 9745, A replaced by G.
Molecular consequence: intron variant.
Genome position (GRCh38, 1-based): chr14:64,055,935, A>G. VCF-style: chr14-64055935-A-G. GRCh37 (hg19) VCF-style: chr14-64522653-A-G.
Other names: c.9745-9A>G (NM_015180.6).
Identifiers: ClinVar variation 283723 (VCV000283723.20), dbSNP rs778028287, ClinGen allele CA7221345.

ClinVar aggregate classification (germline): Conflicting classifications of pathogenicity. Review status: criteria provided, conflicting classifications (1 of 4 stars). 5 submissions from 5 submitters: Uncertain significance (2); Benign (1); Likely benign (2). Last evaluated 2024-12-09.

Conditions:
Emery-Dreifuss muscular dystrophy 5, autosomal dominant (EDMD5). Also called: EMERY-DREIFUSS MUSCULAR DYSTROPHY 5. Identifiers: Orphanet 261, MedGen C2751805, MONDO:0013072, OMIM 612999.

Allele frequency attached by ClinVar (database versions not stated): gnomAD 0.00009 and 0.00010; TOPMed 0.00010; gnomAD exomes 0.00014 and 0.00016; ExAC 0.00020.
gnomAD v4.1: 254 of 1,611,104 alleles (0.016%); highest among the groups gnomAD compares: Middle Eastern, 0.066%; no homozygotes.

Submissions (5):

Labcorp Genetics (formerly Invitae), Labcorp
Classification: Likely benign for Emery-Dreifuss muscular dystrophy 5, autosomal dominant. Last evaluated: 2024-12-09. Review status: criteria provided, single submitter. Criteria: Invitae Variant Classification Sherloc (09022015). Collection method: clinical testing. Allele origin: germline.

Blueprint Genetics
Classification: Likely benign. Last evaluated: 2024-09-10. Review status: criteria provided, single submitter. Criteria: ACMG Guidelines, 2015. Collection method: clinical testing. Allele origin: germline.

Illumina Laboratory Services, Illumina
Classification: Benign for Emery-Dreifuss muscular dystrophy 5, autosomal dominant. Last evaluated: 2018-03-26. Review status: criteria provided, single submitter. Criteria: ICSL Variant Classification Criteria 13 December 2019. Collection method: clinical testing. Allele origin: germline.
Comment: This variant was observed in the ICSL laboratory as part of a predisposition screen in an ostensibly healthy population. It had not been previously curated by ICSL or reported in the Human Gene Mutation Database (HGMD: prior to June 1st, 2018), and was therefore a candidate for classification through an automated scoring system. Utilizing variant allele frequency, disease prevalence and penetrance estimates, and inheritance mode, an automated score was calculated to assess if this variant is too frequent to cause the disease. Based on the score and internal cut-off values, a variant classified as benign is not then subjected to further curation. The score for this variant resulted in a classification of benign for this disease.

Athena Diagnostics
Classification: Uncertain significance. Last evaluated: 2017-09-07. Review status: criteria provided, single submitter. Criteria: Athena Diagnostics Criteria. Collection method: clinical testing. Allele origin: germline.

Eurofins Ntd Llc (ga)
Classification: Uncertain significance. Last evaluated: 2015-10-02. Review status: criteria provided, single submitter. Criteria: EGL Classification Definitions 2015. Collection method: clinical testing. Allele origin: germline. Observed: 1 variant allele, 1 heterozygote.